The following is an entry in ClinVar:

ClinVar aggregate classification (germline): Uncertain significance (1 of 4 stars; one submission).

Conditions:
Primary ciliary dyskinesia. Also called: Ciliary dyskinesia. Identifiers: Orphanet 244, MedGen C0008780, MONDO:0016575, HP:0012265.

Allele frequency attached by ClinVar (database versions not stated): gnomAD exomes below 0.00001; TOPMed below 0.00001.
gnomAD v4.1: 1 of 1,614,268 alleles (0.000062%); highest among the groups gnomAD compares: Non-Finnish European, 0.000085%; no homozygotes.

Submission:

Labcorp Genetics (formerly Invitae), Labcorp
Classification: Uncertain significance for Primary ciliary dyskinesia. Last evaluated: 2021-12-13. Review status: criteria provided, single submitter. Criteria: Invitae Variant Classification Sherloc (09022015). Collection method: clinical testing. Allele origin: germline.
Comment: This variant has not been reported in the literature in individuals affected with DRC1-related conditions. In summary, the available evidence is currently insufficient to determine the role of this variant in disease. Therefore, it has been classified as a Variant of Uncertain Significance. Algorithms developed to predict the effect of missense changes on protein structure and function are either unavailable or do not agree on the potential impact of this missense change (SIFT: "Deleterious"; PolyPhen-2: "Benign"; Align-GVGD: "Class C0"). This variant is not present in population databases (gnomAD no frequency). This sequence change replaces leucine, which is neutral and non-polar, with serine, which is neutral and polar, at codon 483 of the DRC1 protein (p.Leu483Ser).

NM_145038.5(DRC1):c.1448T>C (p.Leu483Ser)

Gene: DRC1 (dynein regulatory complex subunit 1; plus strand). Cytogenetic location: 2p23.3.
Variant type: single nucleotide variant.
Coding change: c.1448T>C on transcript NM_145038.5 (MANE Select); coding-DNA position 1448, T replaced by C.
Protein change: p.Leu483Ser; replaces leucine 483 with serine.
Molecular consequence: missense variant.
Genome position (GRCh38, 1-based): chr2:26,448,742, T>C. VCF-style: chr2-26448742-T-C. GRCh37 (hg19) VCF-style: chr2-26671610-T-C.
Other names: short protein forms L483S.
Identifiers: ClinVar variation 1439176 (VCV001439176.6), dbSNP rs1663924677, ClinGen allele CA346113477.